The following is an entry in ClinVar:

NM_000168.6(GLI3):c.4029G>C (p.Gln1343His)

Gene: GLI3 (GLI family zinc finger 3; minus strand). Cytogenetic location: 7p14.1.
Variant type: single nucleotide variant.
Coding change: c.4029G>C on transcript NM_000168.6 (MANE Select); coding-DNA position 4029, G replaced by C.
Protein change: p.Gln1343His; replaces glutamine 1343 with histidine.
Molecular consequence: missense variant.
Genome position (GRCh38, 1-based): chr7:41,965,044, C>G on the plus strand (G>C on the coding strand, the complement: GLI3 is on the minus strand). VCF-style: chr7-41965044-C-G. GRCh37 (hg19) VCF-style: chr7-42004642-C-G.
Other names: short protein forms Q1343H.
Identifiers: ClinVar variation 2931705 (VCV002931705.4), dbSNP rs1314036949, ClinGen allele CA367315923.
Genomic context (GRCh38, chr7:41,965,044, plus strand): 5'-GCAGCTCTCTGGCCCTTGGTAGATGTTGATGTGTGAGGTAGCACTAATCTGCCCAAGCAT[C>G]TGCTGACCGGGGCGGCCTGCCCCCGGGTGCTGCATGCTGTCGCCGAGGAGCTGGTGAGCC-3'
Protein context (NP_000159.3, residues 1333-1353): QHPGAGRPGQ[Gln1343His]MLGQISATSH

ClinVar aggregate classification (germline): Uncertain significance. Review status: criteria provided, multiple submitters, no conflicts (2 of 4 stars). 2 submissions from 2 submitters: Uncertain significance (2). Last evaluated 2025-11-07.

Conditions:
Pallister-Hall syndrome (PHS). Also called: HYPOTHALAMIC HAMARTOBLASTOMA, HYPOPITUITARISM, IMPERFORATE ANUS, AND POSTAXIAL POLYDACTYLY; GLI3-Related Pallister-Hall Syndrome. Identifiers: Orphanet 672, MedGen C0265220, MONDO:0007804, OMIM 146510.
Greig cephalopolysyndactyly syndrome (GCPS). Also called: POLYSYNDACTYLY WITH PECULIAR SKULL SHAPE; Greig syndrome; GLI3-Related Greig Cephalopolysyndactyly Syndrome. Identifiers: Orphanet 380, MedGen C0265306, MONDO:0008287, OMIM 175700.

Allele frequency attached by ClinVar (database versions not stated): TOPMed below 0.00001.

Submissions (2):

Women's Health and Genetics/Laboratory Corporation of America, LabCorp
Classification: Uncertain significance. Last evaluated: 2025-11-07. Review status: criteria provided, single submitter. Criteria: LabCorp Variant Classification Summary - May 2015. Collection method: clinical testing. Allele origin: germline.
Comment: Variant summary: GLI3 c.4029G>C (p.Gln1343His) results in a non-conservative amino acid change in the encoded protein sequence. Algorithms developed to predict the effect of missense changes on protein structure and function are either unavailable or do not agree on the potential impact of this missense change. The variant was absent in 250714 control chromosomes. The available data on variant occurrences in the general population are insufficient to allow any conclusion about variant significance. To our knowledge, no occurrence of c.4029G>C in individuals affected with GLI3-related conditions and no experimental evidence demonstrating its impact on protein function have been reported. ClinVar contains an entry for this variant (Variation ID: 2931705). Based on the evidence outlined above, the variant was classified as uncertain significance.

Labcorp Genetics (formerly Invitae), Labcorp
Classification: Uncertain significance for Pallister-Hall syndrome; Greig cephalopolysyndactyly syndrome. Last evaluated: 2024-01-29. Review status: criteria provided, single submitter. Criteria: Invitae Variant Classification Sherloc (09022015). Collection method: clinical testing. Allele origin: germline.
Comment: This sequence change replaces glutamine, which is neutral and polar, with histidine, which is basic and polar, at codon 1343 of the GLI3 protein (p.Gln1343His). This variant is not present in population databases (gnomAD no frequency). This variant has not been reported in the literature in individuals affected with GLI3-related conditions. Advanced modeling of protein sequence and biophysical properties (such as structural, functional, and spatial information, amino acid conservation, physicochemical variation, residue mobility, and thermodynamic stability) performed at Invitae indicates that this missense variant is not expected to disrupt GLI3 protein function with a negative predictive value of 80%. In summary, the available evidence is currently insufficient to determine the role of this variant in disease. Therefore, it has been classified as a Variant of Uncertain Significance.